The following is an entry in ClinVar:

NM_001384732.1(CPLANE1):c.8664-3A>T

Gene: CPLANE1 (ciliogenesis and planar polarity effector complex subunit 1; minus strand). Cytogenetic location: 5p13.2.
Variant type: single nucleotide variant.
Coding change: c.8664-3A>T on transcript NM_001384732.1 (MANE Select); 3 bases into the intron before coding-DNA position 8664, A replaced by T.
Molecular consequence: intron variant.
Genome position (GRCh38, 1-based): chr5:37,138,851, T>A on the plus strand (A>T on the coding strand, the complement: CPLANE1 is on the minus strand). VCF-style: chr5-37138851-T-A. GRCh37 (hg19) VCF-style: chr5-37138953-T-A.
Other names: p.?; c.8502-3A>T (NM_023073.4).
Identifiers: ClinVar variation 158056 (VCV000158056.22), dbSNP rs58401892, ClinGen allele CA171468.

ClinVar aggregate classification (germline): Benign. Review status: criteria provided, multiple submitters, no conflicts (2 of 4 stars). 7 submissions from 7 submitters: Benign (6). 1 of the submissions does not count toward it. Last evaluated 2026-01-28.

Conditions:
Joubert syndrome 17 (JBTS17). Identifiers: Orphanet 475, MedGen C3553264, MONDO:0013824, OMIM 614615.

Allele frequency attached by ClinVar (database versions not stated): gnomAD exomes 0.00125 and 0.00348; ExAC 0.00418; gnomAD 0.01290 and 0.01389; 1000 Genomes Project 0.01458; TOPMed 0.01472; ESP Exome Variant Server 0.01507; 1000 Genomes Project 30x 0.01718.
gnomAD v4.1: 3,854 of 1,596,260 alleles (0.24%); highest among the groups gnomAD compares: African/African-American, 4.6%; 77 homozygotes.

Submissions (7):

Labcorp Genetics (formerly Invitae), Labcorp
Classification: Benign. Last evaluated: 2026-01-28. Review status: criteria provided, single submitter. Criteria: Invitae Variant Classification Sherloc (09022015). Collection method: clinical testing. Allele origin: germline.

Mayo Clinic Laboratories, Mayo Clinic
Classification: Benign. Last evaluated: 2024-06-14. Review status: criteria provided, single submitter. Criteria: ACMG Guidelines, 2015. Collection method: clinical testing. Allele origin: germline. Observed: 3 variant alleles.
Comment: BS1, BS2, BP4, BP7

Illumina Laboratory Services, Illumina
Classification: Benign for Joubert syndrome 17. Last evaluated: 2018-01-13. Review status: criteria provided, single submitter. Criteria: ICSL Variant Classification Criteria 13 December 2019. Collection method: clinical testing. Allele origin: germline.
Comment: This variant was observed in the ICSL laboratory as part of a predisposition screen in an ostensibly healthy population. It had not been previously curated by ICSL or reported in the Human Gene Mutation Database (HGMD: prior to June 1st, 2018), and was therefore a candidate for classification through an automated scoring system. Utilizing variant allele frequency, disease prevalence and penetrance estimates, and inheritance mode, an automated score was calculated to assess if this variant is too frequent to cause the disease. Based on the score and internal cut-off values, a variant classified as benign is not then subjected to further curation. The score for this variant resulted in a classification of benign for this disease.

GeneDx
Classification: Benign. Last evaluated: 2016-05-23. Review status: criteria provided, single submitter. Criteria: GeneDx Variant Classification (06012015). Collection method: clinical testing. Allele origin: germline. Affected: yes.
Comment: This variant is considered likely benign or benign based on one or more of the following criteria: it is a conservative change, it occurs at a poorly conserved position in the protein, it is predicted to be benign by multiple in silico algorithms, and/or has population frequency not consistent with disease.

Breakthrough Genomics
Classification: Benign. Review status: criteria provided, single submitter. Criteria: ACMG Guidelines, 2015. Collection method: not provided. Allele origin: germline. Inheritance: Autosomal recessive inheritance. Affected: yes.

PreventionGenetics, part of Exact Sciences
Classification: Benign. Review status: criteria provided, single submitter. Criteria: ACMG Guidelines, 2015. Collection method: clinical testing. Allele origin: germline.

Genetic Services Laboratory, University of Chicago
Classification: Likely benign. Review status: no assertion criteria provided. Collection method: clinical testing. Allele origin: germline. Inheritance: Autosomal recessive inheritance. Not counted in ClinVar's aggregate classification.
Comment: Likely benign based on allele frequency in 1000 Genomes Project or ESP global frequency and its presence in a patient with a rare or unrelated disease phenotype. NOT Sanger confirmed